The following is an entry in ClinVar:

NM_177400.3(NKX6-2):c.402C>T (p.Gly134=)

Gene: NKX6-2 (NK6 homeobox 2; minus strand). Cytogenetic location: 10q26.3.
Variant type: single nucleotide variant.
Coding change: c.402C>T on transcript NM_177400.3 (MANE Select); coding-DNA position 402, C replaced by T.
Protein change: p.Gly134=; no amino-acid change (glycine 134 retained).
Molecular consequence: synonymous variant.
Genome position (GRCh38, 1-based): chr10:132,785,547, G>A on the plus strand (C>T on the coding strand, the complement: NKX6-2 is on the minus strand). VCF-style: chr10-132785547-G-A. GRCh37 (hg19) VCF-style: chr10-134599051-G-A.
Other names: p.Gly134=.
Identifiers: ClinVar variation 2747055 (VCV002747055.5), dbSNP rs1012279348, ClinGen allele CA216760279.

ClinVar aggregate classification (germline): Likely benign. Review status: criteria provided, multiple submitters, no conflicts (2 of 4 stars). 3 submissions from 3 submitters: Likely benign (3). Last evaluated 2025-05-07.

Allele frequency attached by ClinVar (database versions not stated): TOPMed 0.00006; gnomAD 0.00009; gnomAD exomes 0.00012.
gnomAD v4.1: 159 of 1,365,498 alleles (0.012%); highest among the groups gnomAD compares: Non-Finnish European, 0.014%; no homozygotes.

Submissions (3):

Mayo Clinic Laboratories, Mayo Clinic
Classification: Likely benign. Last evaluated: 2025-05-07. Review status: criteria provided, single submitter. Criteria: ACMG Guidelines, 2015. Collection method: clinical testing. Allele origin: germline. Observed: 1 variant allele.
Comment: BP4, BP7

Blueprint Genetics
Classification: Likely benign. Last evaluated: 2024-10-11. Review status: criteria provided, single submitter. Criteria: ACMG Guidelines, 2015. Collection method: clinical testing. Allele origin: germline.

Labcorp Genetics (formerly Invitae), Labcorp
Classification: Likely benign. Last evaluated: 2024-01-08. Review status: criteria provided, single submitter. Criteria: Invitae Variant Classification Sherloc (09022015). Collection method: clinical testing. Allele origin: germline.